The following is an entry in ClinVar:

NM_033100.4(CDHR1):c.1948T>C (p.Cys650Arg)

Gene: CDHR1 (cadherin related family member 1; plus strand). Cytogenetic location: 10q23.1.
Variant type: single nucleotide variant.
Coding change: c.1948T>C on transcript NM_033100.4 (MANE Select); coding-DNA position 1948, T replaced by C.
Protein change: p.Cys650Arg; replaces cysteine 650 with arginine.
Molecular consequence: missense variant.
Genome position (GRCh38, 1-based): chr10:84,213,256, T>C. VCF-style: chr10-84213256-T-C. GRCh37 (hg19) VCF-style: chr10-85973012-T-C.
Other names: c.1948T>C, p.Cys650Arg (NM_001171971.3); c.1948T>C (NM_033100.2); short protein forms C650R.
Identifiers: ClinVar variation 1491435 (VCV001491435.7), dbSNP rs555641256, ClinGen allele CA5580096.

ClinVar aggregate classification (germline): Uncertain significance. Review status: criteria provided, multiple submitters, no conflicts (2 of 4 stars). 3 submissions from 3 submitters: Uncertain significance (3). Last evaluated 2024-11-11.

Conditions:
Inborn genetic diseases. Identifiers: MedGen C0950123, MeSH D030342.

Allele frequency attached by ClinVar (database versions not stated): ExAC 0.00002; gnomAD 0.00002 and 0.00003; gnomAD exomes 0.00004; TOPMed 0.00011; 1000 Genomes Project 0.00020; 1000 Genomes Project 30x 0.00047.
gnomAD v4.1: 25 of 1,614,230 alleles (0.0015%); highest among the groups gnomAD compares: Admixed American, 0.02%; no homozygotes.

Submissions (3):

Labcorp Genetics (formerly Invitae), Labcorp
Classification: Uncertain significance. Last evaluated: 2024-11-11. Review status: criteria provided, single submitter. Criteria: Invitae Variant Classification Sherloc (09022015). Collection method: clinical testing. Allele origin: germline.
Comment: This sequence change replaces cysteine, which is neutral and slightly polar, with arginine, which is basic and polar, at codon 650 of the CDHR1 protein (p.Cys650Arg). This variant is present in population databases (rs555641256, gnomAD 0.03%). This variant has not been reported in the literature in individuals affected with CDHR1-related conditions. ClinVar contains an entry for this variant (Variation ID: 1491435). Invitae Evidence Modeling of protein sequence and biophysical properties (such as structural, functional, and spatial information, amino acid conservation, physicochemical variation, residue mobility, and thermodynamic stability) indicates that this missense variant is not expected to disrupt CDHR1 protein function with a negative predictive value of 80%. In summary, the available evidence is currently insufficient to determine the role of this variant in disease. Therefore, it has been classified as a Variant of Uncertain Significance.

Blueprint Genetics
Classification: Uncertain significance. Last evaluated: 2024-09-11. Review status: criteria provided, single submitter. Criteria: ACMG Guidelines, 2015. Collection method: clinical testing. Allele origin: germline.

Ambry Genetics
Classification: Uncertain significance for Inborn genetic diseases. Last evaluated: 2024-08-01. Review status: criteria provided, single submitter. Criteria: Ambry Variant Classification Scheme 2023. Collection method: clinical testing. Allele origin: germline.